The following is an entry in ClinVar:

NM_004100.5(EYA4):c.33+2T>G

Gene: EYA4 (EYA transcriptional coactivator and phosphatase 4; plus strand). Cytogenetic location: 6q23.2.
Variant type: single nucleotide variant.
Coding change: c.33+2T>G on transcript NM_004100.5 (MANE Select); the canonical splice donor site of the intron after coding-DNA position 33, T replaced by G.
Molecular consequence: splice donor variant.
Genome position (GRCh38, 1-based): chr6:133,274,815, T>G. VCF-style: chr6-133274815-T-G. GRCh37 (hg19) VCF-style: chr6-133595953-T-G.
Other names: c.33+2T>G (NM_172103.4, NM_001370459.1, NM_001301012.2 and 3 more transcripts).
Identifiers: ClinVar variation 1066352 (VCV001066352.8), dbSNP rs2128268726, ClinGen allele CA365837760.

ClinVar aggregate classification (germline): Likely pathogenic (1 of 4 stars; one submission).

Conditions:
Dilated cardiomyopathy 1J (CMD1J). Also called: CARDIOMYOPATHY, DILATED, WITH SENSORINEURAL HEARING LOSS, AUTOSOMAL DOMINANT. Identifiers: Orphanet 217622, MedGen C1854368, MONDO:0011541, OMIM 605362.

Submission:

Labcorp Genetics (formerly Invitae), Labcorp
Classification: Likely pathogenic for Dilated cardiomyopathy 1J. Last evaluated: 2020-03-11. Review status: criteria provided, single submitter. Criteria: Invitae Variant Classification Sherloc (09022015). Collection method: clinical testing. Allele origin: germline.
Comment: In summary, the currently available evidence indicates that the variant is pathogenic, but additional data are needed to prove that conclusively. Therefore, this variant has been classified as Likely Pathogenic. Donor and acceptor splice site variants typically lead to a loss of protein function (PMID: 16199547), and loss-of-function variants in EYA4 are known to be pathogenic (PMID: 11159937, 25781927, 25963406). Algorithms developed to predict the effect of sequence changes on RNA splicing suggest that this variant may disrupt the consensus splice site, but this prediction has not been confirmed by published transcriptional studies. This variant has not been reported in the literature in individuals with EYA4-related conditions. This variant is not present in population databases (ExAC no frequency). This sequence change affects a donor splice site in intron 2 of the EYA4 gene. It is expected to disrupt RNA splicing and likely results in an absent or disrupted protein product.

Literature cited by the submitters: PubMed 16199547; PubMed 11159937; PubMed 25781927; PubMed 25963406.